The following is an entry in ClinVar:

ClinVar aggregate classification (germline): Uncertain significance. Review status: criteria provided, multiple submitters, no conflicts (2 of 4 stars). 2 submissions from 2 submitters: Uncertain significance (2). Last evaluated 2025-07-04.

Conditions:
Dilated cardiomyopathy 1KK (CMD1KK). Identifiers: Orphanet 154, Orphanet 75249, MedGen C3714995, MONDO:0014100, OMIM 615248.

Submissions (2):

Dasa
Classification: Uncertain significance. Last evaluated: 2025-07-04. Review status: criteria provided, single submitter. Criteria: DASA Assertion Criteria. Collection method: clinical testing. Allele origin: germline.
Comment: NM_032578.4(MYPN):c.194C>A (p.Ala65Asp) is a missense variant that results in the substitution of alanine with aspartic acid. This variant is absent from population databases. The currently available literature and clinical evidence are not sufficient to establish a definitive association between this variant and the reported condition. Therefore, this variant is classified as a variant of uncertain significance.

Labcorp Genetics (formerly Invitae), Labcorp
Classification: Uncertain significance for Dilated cardiomyopathy 1KK. Last evaluated: 2022-07-26. Review status: criteria provided, single submitter. Criteria: Invitae Variant Classification Sherloc (09022015). Collection method: clinical testing. Allele origin: germline.
Comment: In summary, the available evidence is currently insufficient to determine the role of this variant in disease. Therefore, it has been classified as a Variant of Uncertain Significance. Algorithms developed to predict the effect of missense changes on protein structure and function are either unavailable or do not agree on the potential impact of this missense change (SIFT: "Tolerated"; PolyPhen-2: "Probably Damaging"; Align-GVGD: "Class C0"). ClinVar contains an entry for this variant (Variation ID: 1496747). This variant has not been reported in the literature in individuals affected with MYPN-related conditions. This variant is not present in population databases (gnomAD no frequency). This sequence change replaces alanine, which is neutral and non-polar, with aspartic acid, which is acidic and polar, at codon 65 of the MYPN protein (p.Ala65Asp).

NM_032578.4(MYPN):c.194C>A (p.Ala65Asp)

Gene: MYPN (myopalladin; plus strand). Cytogenetic location: 10q21.3.
Variant type: single nucleotide variant.
Coding change: c.194C>A on transcript NM_032578.4 (MANE Select); coding-DNA position 194, C replaced by A.
Protein change: p.Ala65Asp; replaces alanine 65 with aspartic acid.
Molecular consequence: missense variant. On other transcripts: 5 prime UTR variant (1), non-coding transcript variant (1).
Genome position (GRCh38, 1-based): chr10:68,121,632, C>A. VCF-style: chr10-68121632-C-A. GRCh37 (hg19) VCF-style: chr10-69881389-C-A.
Other names: c.194C>A, p.Ala65Asp (NM_001256267.2); c.-929C>A (NM_001256268.2); short protein forms A65D.
Identifiers: ClinVar variation 1496747 (VCV001496747.7), dbSNP rs147553723, ClinGen allele CA377103800.
Genomic context (GRCh38, chr10:68,121,632, plus strand): 5'-GCAGTCCTTCTGGGGCCGCTGAAGGAGGCGGAGGCCAAGATGACCTTCCAGATCTTTCAG[C>A]CTTTCTGAGCCAAGAAGAATTAGACGAAAGTGTCAATTTGGCAAGACTGGCCATCAATTA-3'
Protein context (NP_115967.2, residues 55-75): GGQDDLPDLS[Ala65Asp]FLSQEELDES